The following is an entry in ClinVar:

ClinVar aggregate classification (germline): Uncertain significance. Review status: criteria provided, multiple submitters, no conflicts (2 of 4 stars). 3 submissions from 3 submitters: Uncertain significance (3). Last evaluated 2026-06-08.

Allele frequency attached by ClinVar (database versions not stated): TOPMed 0.00083; ESP Exome Variant Server 0.00054; gnomAD 0.00070 and 0.00076; gnomAD exomes 0.00017 and 0.00006; ExAC 0.00019; 1000 Genomes Project 30x 0.00016; 1000 Genomes Project 0.00020.
gnomAD v4.1: 206 of 1,614,134 alleles (0.013%); highest among the groups gnomAD compares: African/African-American, 0.25%; no homozygotes.

Submissions (3):

Women's Health and Genetics/Laboratory Corporation of America, LabCorp
Classification: Uncertain significance. Last evaluated: 2026-06-08. Review status: criteria provided, single submitter. Criteria: LabCorp Variant Classification Summary - May 2015. Collection method: clinical testing. Allele origin: germline.
Comment: Variant summary: THRB c.52A>C (p.Lys18Gln) results in a conservative amino acid change in the encoded protein sequence. Algorithms developed to predict the effect of missense changes on protein structure and function all suggest that this variant is likely to be tolerated. The variant allele was found at a frequency of 0.00017 in 251178 control chromosomes. This frequency is not significantly higher than estimated for disease-causing variants in THRB, allowing no conclusion about variant significance. To our knowledge, no occurrence of c.52A>C in individuals affected with THRB-related conditions and no experimental evidence demonstrating its impact on protein function have been reported. ClinVar contains an entry for this variant (Variation ID: 497668). Based on the evidence outlined above, the variant was classified as uncertain significance.

Eurofins Ntd Llc (ga)
Classification: Uncertain significance. Last evaluated: 2018-07-05. Review status: criteria provided, single submitter. Criteria: EGL ClinVar v180209 classification definitions. Collection method: clinical testing. Allele origin: germline. Observed: 2 variant alleles, 2 heterozygotes.

Breakthrough Genomics
Classification: Uncertain significance. Review status: criteria provided, single submitter. Criteria: ACMG Guidelines, 2015. Collection method: not provided. Allele origin: germline. Inheritance: Autosomal recessive inheritance. Affected: yes.

NM_001354712.2(THRB):c.52A>C (p.Lys18Gln)

Gene: THRB (thyroid hormone receptor beta; minus strand). Cytogenetic location: 3p24.2.
Variant type: single nucleotide variant.
Coding change: c.52A>C on transcript NM_001354712.2 (MANE Select); coding-DNA position 52, A replaced by C.
Protein change: p.Lys18Gln; replaces lysine 18 with glutamine.
Molecular consequence: missense variant. On other transcripts: 5 prime UTR variant (2).
Genome position (GRCh38, 1-based): chr3:24,190,305, T>G on the plus strand (A>C on the coding strand, the complement: THRB is on the minus strand). VCF-style: chr3-24190305-T-G. GRCh37 (hg19) VCF-style: chr3-24231796-T-G.
Other names: c.52A>C, p.Lys18Gln (NM_000461.5, NM_001128176.3, NM_001128177.2 and 6 more transcripts); c.-42A>C (NM_001354714.2, NM_001354715.2); short protein forms K18Q.
Identifiers: ClinVar variation 497668 (VCV000497668.7), dbSNP rs141960389, ClinGen allele CA2287452.
Genomic context (GRCh38, chr3:24,190,305, plus strand): 5'-GTAGGCAGGCTTCAGACATTCCTACTAGCTTCCAGTCGTGTTCTCGGTCTGGACAGTGCT[T>G]CGGTTTGTCCCAGGCTGTAAGGCCATTTTCTAAAGGGTTGAAAAACACGAGATGACGAGC-3'
Protein context (NP_001341641.1, residues 8-28): ENGLTAWDKP[Lys18Gln]HCPDREHDWK